The following is an entry in ClinVar:

ClinVar aggregate classification (germline): Uncertain significance (1 of 4 stars; one submission).

Conditions:
Inborn genetic diseases. Identifiers: MedGen C0950123, MeSH D030342.

Submission:

Ambry Genetics
Classification: Uncertain significance for Inborn genetic diseases. Last evaluated: 2025-10-22. Review status: criteria provided, single submitter. Criteria: Ambry Variant Classification Scheme 2023. Collection method: clinical testing. Allele origin: germline.
Comment: The c.218G>A (p.R73Q) alteration is located in exon 3 (coding exon 3) of the SNRPB gene. This alteration results from a G to A substitution at nucleotide position 218, causing the arginine (R) at amino acid position 73 to be replaced by a glutamine (Q). Based on data from gnomAD, the A allele has an overall frequency of <0.001% (0/251468) total alleles studied. The highest observed frequency was <0.001% (/) of alleles. Based on insufficient or conflicting evidence, the clinical significance of this alteration remains unclear.

NM_003091.4(SNRPB):c.218G>A (p.Arg73Gln)

Gene: SNRPB (small nuclear ribonucleoprotein polypeptides B and B1; minus strand). Cytogenetic location: 20p13.
Variant type: single nucleotide variant.
Coding change: c.218G>A on transcript NM_003091.4 (MANE Select); coding-DNA position 218, G replaced by A.
Protein change: p.Arg73Gln; replaces arginine 73 with glutamine.
Molecular consequence: missense variant.
Genome position (GRCh38, 1-based): chr20:2,465,757, C>T on the plus strand (G>A on the coding strand, the complement: SNRPB is on the minus strand). VCF-style: chr20-2465757-C-T. GRCh37 (hg19) VCF-style: chr20-2446403-C-T.
Other names: c.218G>A, p.Arg73Gln (NM_198216.2); short protein forms R73Q.
Identifiers: ClinVar variation 4631816 (VCV004631816.1).